The following is an entry in ClinVar:

NM_024675.4(PALB2):c.1261A>G (p.Arg421Gly)

Gene: PALB2 (partner and localizer of BRCA2; minus strand). Cytogenetic location: 16p12.2.
Variant type: single nucleotide variant.
Coding change: c.1261A>G on transcript NM_024675.4 (MANE Select); coding-DNA position 1261, A replaced by G.
Protein change: p.Arg421Gly; replaces arginine 421 with glycine.
Molecular consequence: missense variant. On other transcripts: intron variant (3).
Genome position (GRCh38, 1-based): chr16:23,635,285, T>C on the plus strand (A>G on the coding strand, the complement: PALB2 is on the minus strand). VCF-style: chr16-23635285-T-C. GRCh37 (hg19) VCF-style: chr16-23646606-T-C.
Other names: c.1201A>G, p.Arg401Gly (NM_001407296.1); c.1261A>G, p.Arg421Gly (NM_001407297.1, NM_001407298.1, NM_001407299.1 and 3 more transcripts); c.376A>G, p.Arg126Gly (NM_001407304.1, NM_001407305.1, NM_001407306.1 and 5 more transcripts); c.48+5825A>G (NM_001407314.1); c.-104-4816A>G (NM_001407313.1, NM_001407312.1); short protein forms R126G, R401G, R421G.
Identifiers: ClinVar variation 3340218 (VCV003340218.1).

ClinVar aggregate classification (germline): Uncertain significance (1 of 4 stars; one submission).

Submission:

GeneDx
Classification: Uncertain significance. Last evaluated: 2024-02-14. Review status: criteria provided, single submitter. Criteria: GeneDx Variant Classification Process June 2021. Collection method: clinical testing. Allele origin: germline. Affected: yes.
Comment: Not observed at significant frequency in large population cohorts (gnomAD); In silico analysis supports that this missense variant has a deleterious effect on protein structure/function; Has not been previously published as pathogenic or benign to our knowledge; This variant is associated with the following publications: (PMID: 22193777)